The following is an entry in ClinVar:

NM_001276270.2(MBD4):c.431C>T (p.Thr144Ile)

Gene: MBD4 (methyl-CpG binding domain 4, DNA glycosylase; minus strand). Cytogenetic location: 3q21.3.
Variant type: single nucleotide variant.
Coding change: c.431C>T on transcript NM_001276270.2 (MANE Select); coding-DNA position 431, C replaced by T.
Protein change: p.Thr144Ile; replaces threonine 144 with isoleucine.
Molecular consequence: missense variant. On other transcripts: intron variant (1).
Genome position (GRCh38, 1-based): chr3:129,437,213, G>A on the plus strand (C>T on the coding strand, the complement: MBD4 is on the minus strand). VCF-style: chr3-129437213-G-A. GRCh37 (hg19) VCF-style: chr3-129156056-G-A.
Other names: c.431C>T, p.Thr144Ile (NM_001276271.2, NM_001276272.2, NM_003925.3); c.247+595C>T (NM_001276273.2); short protein forms T144I.
Identifiers: ClinVar variation 3543753 (VCV003543753.3).
Genomic context (GRCh38, chr3:129,437,213, plus strand): 5'-GTCAGGGCTGCCATGCTGCAGTCTTTATATCTTGACTTGATACCCCTTTTAGAAAGTACA[G>A]TAAAATCAAAATCTTCTGGCTTAAGAGAAGTCTCTCCATTTTTGTGAAGATAATTAGCAA-3'
Protein context (NP_001263199.1, residues 134-154): TSLKPEDFDF[Thr144Ile]VLSKRGIKSR

ClinVar aggregate classification (germline): Uncertain significance. Review status: criteria provided, multiple submitters, no conflicts (2 of 4 stars). 2 submissions from 2 submitters: Uncertain significance (2). Last evaluated 2026-02-02.

Conditions:
Inborn genetic diseases. Identifiers: MedGen C0950123, MeSH D030342.

Submissions (2):

Labcorp Genetics (formerly Invitae), Labcorp
Classification: Uncertain significance. Last evaluated: 2026-02-02. Review status: criteria provided, single submitter. Criteria: Invitae Variant Classification Sherloc (09022015). Collection method: clinical testing. Allele origin: germline.
Comment: This sequence change replaces threonine, which is neutral and polar, with isoleucine, which is neutral and non-polar, at codon 144 of the MBD4 protein (p.Thr144Ile). This variant is present in population databases (rs761560566, gnomAD 0.01%). This variant has not been reported in the literature in individuals affected with MBD4-related conditions. ClinVar contains an entry for this variant (Variation ID: 3543753). An algorithm developed to predict the effect of missense changes on protein structure and function (PolyPhen-2) suggests that this variant is likely to be tolerated. In summary, the available evidence is currently insufficient to determine the role of this variant in disease. Therefore, it has been classified as a Variant of Uncertain Significance.

Ambry Genetics
Classification: Uncertain significance for Inborn genetic diseases. Last evaluated: 2024-10-05. Review status: criteria provided, single submitter. Criteria: Ambry Variant Classification Scheme 2023. Collection method: clinical testing. Allele origin: germline.
Comment: The p.T144I variant (also known as c.431C>T), located in coding exon 3 of the MBD4 gene, results from a C to T substitution at nucleotide position 431. The threonine at codon 144 is replaced by isoleucine, an amino acid with similar properties. This amino acid position is conserved. In addition, the in silico prediction for this alteration is inconclusive. Based on the available evidence, the clinical significance of this variant remains unclear.